The following is an entry in ClinVar:

NM_000199.5(SGSH):c.808T>C (p.Phe270Leu)

Gene: SGSH (N-sulfoglucosamine sulfohydrolase; minus strand). Cytogenetic location: 17q25.3.
Variant type: single nucleotide variant.
Coding change: c.808T>C on transcript NM_000199.5 (MANE Select); coding-DNA position 808, T replaced by C.
Protein change: p.Phe270Leu; replaces phenylalanine 270 with leucine.
Molecular consequence: missense variant. On other transcripts: non-coding transcript variant (1).
Genome position (GRCh38, 1-based): chr17:80,212,212, A>G on the plus strand (T>C on the coding strand, the complement: SGSH is on the minus strand). VCF-style: chr17-80212212-A-G. GRCh37 (hg19) VCF-style: chr17-78186011-A-G.
Other names: c.808T>C, p.Phe270Leu (NM_001352921.3, NM_001352922.2); short protein forms F270L.
Identifiers: ClinVar variation 573148 (VCV000573148.19), dbSNP rs570170198, ClinGen allele CA8817773.

ClinVar aggregate classification (germline): Uncertain significance. Review status: criteria provided, multiple submitters, no conflicts (2 of 4 stars). 8 submissions from 8 submitters: Uncertain significance (5). 3 of the submissions do not count toward it. Last evaluated 2022-12-12.

Conditions:
Mucopolysaccharidosis, MPS-III-A (MPS3A). Also called: Mucopolysaccharidosis, type IIIA; MPS IIIA (Sanfilippo Syndrome Type A); MPS III A; SANFILIPPO SYNDROME A; SULFAMIDASE DEFICIENCY; Mucopolysaccharidosis type IIIA (Sanfilippo A). Identifiers: Orphanet 581, Orphanet 79269, MedGen C0086647, MONDO:0009655, OMIM 252900.

Allele frequency attached by ClinVar (database versions not stated): gnomAD 0.00006 and 0.00005; gnomAD exomes 0.00008 and 0.00007; ExAC 0.00005; TOPMed 0.00005.
gnomAD v4.1: 113 of 1,613,256 alleles (0.007%); highest among the groups gnomAD compares: Non-Finnish European, 0.009%; no homozygotes.

Submissions (8):

Blueprint Genetics
Classification: Uncertain significance. Last evaluated: 2022-12-12. Review status: criteria provided, single submitter. Criteria: ACMG Guidelines, 2015. Collection method: clinical testing. Allele origin: germline.

Labcorp Genetics (formerly Invitae), Labcorp
Classification: Uncertain significance for Mucopolysaccharidosis, MPS-III-A. Last evaluated: 2022-09-13. Review status: criteria provided, single submitter. Criteria: Invitae Variant Classification Sherloc (09022015). Collection method: clinical testing. Allele origin: germline.
Comment: This sequence change replaces phenylalanine, which is neutral and non-polar, with leucine, which is neutral and non-polar, at codon 270 of the SGSH protein (p.Phe270Leu). This variant is present in population databases (rs570170198, gnomAD 0.01%). This variant has not been reported in the literature in individuals affected with SGSH-related conditions. ClinVar contains an entry for this variant (Variation ID: 573148). Advanced modeling of protein sequence and biophysical properties (such as structural, functional, and spatial information, amino acid conservation, physicochemical variation, residue mobility, and thermodynamic stability) performed at Invitae indicates that this missense variant is expected to disrupt SGSH protein function. In summary, the available evidence is currently insufficient to determine the role of this variant in disease. Therefore, it has been classified as a Variant of Uncertain Significance.

Fulgent Genetics
Classification: Uncertain significance for Mucopolysaccharidosis, MPS-III-A. Last evaluated: 2022-02-10. Review status: criteria provided, single submitter. Criteria: ACMG Guidelines, 2015. Collection method: clinical testing. Allele origin: unknown.

Genome-Nilou Lab
Classification: Uncertain significance for Mucopolysaccharidosis, MPS-III-A. Last evaluated: 2021-11-07. Review status: criteria provided, single submitter. Criteria: ACMG Guidelines, 2015. Collection method: clinical testing. Allele origin: germline. Affected: no.

Illumina Laboratory Services, Illumina
Classification: Uncertain significance for Mucopolysaccharidosis, MPS-III-A. Last evaluated: 2018-01-13. Review status: criteria provided, single submitter. Criteria: ICSL Variant Classification Criteria 13 December 2019. Collection method: clinical testing. Allele origin: germline.

Natera, Inc.
Classification: Uncertain significance for Mucopolysaccharidosis type IIIA. Last evaluated: 2019-11-11. Review status: no assertion criteria provided. Collection method: clinical testing. Allele origin: germline. Not counted in ClinVar's aggregate classification.

Diagnostic Laboratory, Department of Genetics, University Medical Center Groningen
Classification: Uncertain significance. Review status: no assertion criteria provided. Collection method: clinical testing. Allele origin: germline. Affected: yes. Study: VKGL Data-share Consensus. Not counted in ClinVar's aggregate classification.

Laboratory of Diagnostic Genome Analysis, Leiden University Medical Center (LUMC)
Classification: Uncertain significance. Review status: no assertion criteria provided. Collection method: clinical testing. Allele origin: germline. Affected: yes. Study: VKGL Data-share Consensus. Not counted in ClinVar's aggregate classification.